The following is an entry in ClinVar:

NM_002769.5(PRSS1):c.619A>C (p.Asn207His)

Genes: TRB (T cell receptor beta locus; plus strand), PRSS1 (serine protease 1; plus strand). Cytogenetic location: 7q34.
Variant type: single nucleotide variant.
Coding change: c.619A>C on transcript NM_002769.5 (MANE Select); coding-DNA position 619, A replaced by C.
Protein change: p.Asn207His; replaces asparagine 207 with histidine.
Molecular consequence: missense variant. On other transcripts: non-coding transcript variant (5).
Genome position (GRCh38, 1-based): chr7:142,752,895, A>C. VCF-style: chr7-142752895-A-C. GRCh37 (hg19) VCF-style: chr7-142460746-A-C.
Other names: short protein forms N207H.
Identifiers: ClinVar variation 2705449 (VCV002705449.3), dbSNP rs2485768629, ClinGen allele CA369610616.

ClinVar aggregate classification (germline): Uncertain significance (1 of 4 stars; one submission).

Conditions:
Hereditary pancreatitis (PCTT). Also called: Hereditary chronic pancreatitis; PRSS1-Related Hereditary Pancreatitis. Identifiers: Orphanet 676, MedGen C0238339, MONDO:0008185, OMIM 167800.

Submission:

Labcorp Genetics (formerly Invitae), Labcorp
Classification: Uncertain significance for Hereditary pancreatitis. Last evaluated: 2023-12-25. Review status: criteria provided, single submitter. Criteria: Invitae Variant Classification Sherloc (09022015). Collection method: clinical testing. Allele origin: germline.
Comment: This sequence change replaces asparagine, which is neutral and polar, with histidine, which is basic and polar, at codon 207 of the PRSS1 protein (p.Asn207His). This variant is not present in population databases (gnomAD no frequency). This variant has not been reported in the literature in individuals affected with PRSS1-related conditions. Advanced modeling of protein sequence and biophysical properties (such as structural, functional, and spatial information, amino acid conservation, physicochemical variation, residue mobility, and thermodynamic stability) has been performed at Invitae for this missense variant, however the output from this modeling did not meet the statistical confidence thresholds required to predict the impact of this variant on PRSS1 protein function. In summary, the available evidence is currently insufficient to determine the role of this variant in disease. Therefore, it has been classified as a Variant of Uncertain Significance.